The following is an entry in ClinVar:

NM_001376.5(DYNC1H1):c.4366G>A (p.Glu1456Lys)

Gene: DYNC1H1 (dynein cytoplasmic 1 heavy chain 1; plus strand). Cytogenetic location: 14q32.31.
Variant type: single nucleotide variant.
Coding change: c.4366G>A on transcript NM_001376.5 (MANE Select); coding-DNA position 4366, G replaced by A.
Protein change: p.Glu1456Lys; replaces glutamic acid 1456 with lysine.
Molecular consequence: missense variant.
Genome position (GRCh38, 1-based): chr14:102,001,325, G>A. VCF-style: chr14-102001325-G-A. GRCh37 (hg19) VCF-style: chr14-102467662-G-A.
Other names: short protein forms E1456K.
Identifiers: ClinVar variation 2406240 (VCV002406240.2), dbSNP rs2503730449, ClinGen allele CA391042030.

ClinVar aggregate classification (germline): Likely pathogenic (1 of 4 stars; one submission).

Conditions:
Inborn genetic diseases. Identifiers: MedGen C0950123, MeSH D030342.

Submission:

Ambry Genetics
Classification: Likely pathogenic for Inborn genetic diseases. Last evaluated: 2021-10-20. Review status: criteria provided, single submitter. Criteria: Ambry Variant Classification Scheme 2023. Collection method: clinical testing. Allele origin: germline.
Comment: The c.4366G>A (p.E1456K) alteration is located in exon 20 (coding exon 20) of the DYNC1H1 gene. This alteration results from a G to A substitution at nucleotide position 4366, causing the glutamic acid (E) at amino acid position 1456 to be replaced by a lysine (K). This variant was not reported in population-based cohorts in the Genome Aggregation Database (gnomAD). This alteration has been reported de novo in a patient with global developmental delay, seizures, short stature, hip dysplasia, joint contractures, and dysmorphic features (DECIPHER, 2015). This amino acid position is highly conserved in available vertebrate species. This missense alteration is located in a region that has a low rate of benign missense variation (Lek, 2016; Firth, 2009). This alteration is predicted to be deleterious by in silico analysis. Based on the available evidence, this alteration is classified as likely pathogenic.

Literature cited by the submitters: PubMed 301071; PubMed 25533962.